The following is an entry in ClinVar:

NM_004187.5(KDM5C):c.3247del (p.Glu1083fs)

Gene: KDM5C (lysine demethylase 5C; minus strand). Cytogenetic location: Xp11.22.
Variant type: Deletion.
Coding change: c.3247del on transcript NM_004187.5 (MANE Select); coding-DNA position 3247, one base deleted (G; older notation c.3247delG).
Protein change: p.Glu1083fs; shifts the reading frame from glutamic acid 1083.
Molecular consequence: frameshift variant. On other transcripts: non-coding transcript variant (3).
Genome position (GRCh38, 1-based): chrX:53,195,284, C deleted on the plus strand (G on the coding strand, the reverse complement: KDM5C is on the minus strand); the first of 3 consecutive C bases (chrX:53,195,284-53,195,286); deleting any one gives the same sequence. VCF-style (leftmost placement, unchanged base first): chrX-53195283-TC-T. GRCh37 (hg19) VCF-style: chrX-53224465-TC-T.
Other names: c.3046del, p.Glu1016fs (NM_001146702.2); c.3244del, p.Glu1082fs (NM_001282622.3, NM_001353979.2, NM_001353982.2); c.3247del, p.Glu1083fs (NM_001353978.3, NM_001353981.2, NM_001353984.2); short protein forms E1016fs, E1082fs, E1083fs.
Identifiers: ClinVar variation 4819167 (VCV004819167.1).

ClinVar aggregate classification (germline): Pathogenic (1 of 4 stars; one submission).

Conditions:
Intellectual developmental disorder, X-linked, syndromic, Claes-Jensen type. Also called: Syndromic X-linked intellectual disability Claes-Jensen type; INTELLECTUAL DEVELOPMENTAL DISORDER, X-LINKED, SYNDROMIC 16; MENTAL RETARDATION, X-LINKED, SYNDROMIC 16. Identifiers: Orphanet 85279, MedGen C1845243, MONDO:0010355, OMIM 300534.

Submission:

Institute of Human Genetics, University of Leipzig Medical Center
Classification: Pathogenic for Intellectual developmental disorder, X-linked, syndromic, Claes-Jensen type. Last evaluated: 2026-01-13. Review status: criteria provided, single submitter. Criteria: ACMG Guidelines, 2015. Collection method: clinical testing. Allele origin: unknown. Inheritance: X-linked recessive inheritance. Affected: yes.
Comment: Criteria applied: PVS1,PM2